The following is an entry in ClinVar:

NM_000388.4(CASR):c.1175G>T (p.Arg392Leu)

Gene: CASR (calcium sensing receptor; plus strand). Cytogenetic location: 3q21.1.
Variant type: single nucleotide variant.
Coding change: c.1175G>T on transcript NM_000388.4 (MANE Select); coding-DNA position 1175, G replaced by T.
Protein change: p.Arg392Leu; replaces arginine 392 with leucine.
Molecular consequence: missense variant.
Genome position (GRCh38, 1-based): chr3:122,262,210, G>T. VCF-style: chr3-122262210-G-T. GRCh37 (hg19) VCF-style: chr3-121981057-G-T.
Other names: c.1175G>T, p.Arg392Leu (NM_001178065.2); short protein forms R392L.
Identifiers: ClinVar variation 532577 (VCV000532577.8), dbSNP rs1287075426, ClinGen allele CA354152753.

ClinVar aggregate classification (germline): Uncertain significance (1 of 4 stars; one submission).

Conditions:
Familial hypocalciuric hypercalcemia (FHH). Also called: Familial benign hypercalcemia. Identifiers: Orphanet 405, MedGen C1809471, MONDO:0018458.
Autosomal dominant hypocalcemia 1 (HYPOC1). Also called: HYPOCALCEMIA, FAMILIAL. Identifiers: MedGen C3715128, MONDO:0011013, OMIM 601198.

Allele frequency attached by ClinVar (database versions not stated): TOPMed below 0.00001.
gnomAD v4.1: 1 of 1,614,058 alleles (0.000062%); no homozygotes.

Submission:

Labcorp Genetics (formerly Invitae), Labcorp
Classification: Uncertain significance for Familial hypocalciuric hypercalcemia; Autosomal dominant hypocalcemia 1. Last evaluated: 2025-02-20. Review status: criteria provided, single submitter. Criteria: Invitae Variant Classification Sherloc (09022015). Collection method: clinical testing. Allele origin: germline.
Comment: This sequence change replaces arginine, which is basic and polar, with leucine, which is neutral and non-polar, at codon 392 of the CASR protein (p.Arg392Leu). This variant is not present in population databases (gnomAD no frequency). This variant has not been reported in the literature in individuals affected with CASR-related conditions. ClinVar contains an entry for this variant (Variation ID: 532577). An algorithm developed to predict the effect of missense changes on protein structure and function (PolyPhen-2) suggests that this variant is likely to be tolerated. In summary, the available evidence is currently insufficient to determine the role of this variant in disease. Therefore, it has been classified as a Variant of Uncertain Significance.